The following is an entry in ClinVar:

ClinVar aggregate classification (germline): Uncertain significance (1 of 4 stars; one submission).

Conditions:
Cardiovascular phenotype. Identifiers: MedGen CN230736.

Submission:

Ambry Genetics
Classification: Uncertain significance for Cardiovascular phenotype. Last evaluated: 2023-12-06. Review status: criteria provided, single submitter. Criteria: Ambry Variant Classification Scheme 2023. Collection method: clinical testing. Allele origin: germline.
Comment: The c.11015-3A>G intronic variant results from an A to G substitution 3 nucleotides before coding exon 78 in the DMD gene. This nucleotide position is highly conserved in available vertebrate species. In silico splice site analysis for this alteration is inconclusive. Since supporting evidence is limited at this time, the clinical significance of this alteration remains unclear.

NM_004006.3(DMD):c.11015-3A>G

Gene: DMD (dystrophin; minus strand). Cytogenetic location: Xp21.2.
Variant type: single nucleotide variant.
Coding change: c.11015-3A>G on transcript NM_004006.3 (MANE Select); 3 bases into the intron before coding-DNA position 11015, A replaced by G.
Molecular consequence: intron variant.
Genome position (GRCh38, 1-based): chrX:31,126,676, T>C on the plus strand (A>G on the coding strand, the complement: DMD is on the minus strand). VCF-style: chrX-31126676-T-C. GRCh37 (hg19) VCF-style: chrX-31144793-T-C.
Other names: c.10991-3A>G (NM_000109.4); c.6992-3A>G (NM_004011.4); c.6983-3A>G (NM_004012.4); c.3305-4746A>G (NM_004023.3); c.3305-3A>G (NM_004020.4); c.3596-4746A>G (NM_004022.3); c.3635-4746A>G (NM_004021.3); c.3635-3A>G (NM_004013.3); and 7 more.
Identifiers: ClinVar variation 3223639 (VCV003223639.1), dbSNP rs1601969201, ClinGen allele CA2422319663.
Genomic context (GRCh38, chrX:31,126,676, plus strand): 5'-TGGCCGTGAGCCTGAATCTCACTAACCTCTCTCATTGGCTTTCCAGGGGTATTTCTTCCT[T>C]TAATAATAGAGAGAGGAAGAGGCAGAGATATCAGAAAGGGAAAAAAAACATGCATAAATA-3'